The following is an entry in ClinVar:

ClinVar aggregate classification (germline): Uncertain significance. Review status: criteria provided, multiple submitters, no conflicts (2 of 4 stars). 2 submissions from 2 submitters: Uncertain significance (2). Last evaluated 2025-08-03.

Conditions:
2-aminoadipic 2-oxoadipic aciduria (AAKAD). Also called: Aminoadipic aciduria; ALPHA-AMINOADIPIC AND ALPHA-KETOADIPIC ACIDURIA. Identifiers: Orphanet 79154, MedGen C1859817, MONDO:0008774, OMIM 204750.
Inborn genetic diseases. Identifiers: MedGen C0950123, MeSH D030342.

Allele frequency attached by ClinVar (database versions not stated): 1000 Genomes Project 0.00040; 1000 Genomes Project 30x 0.00062.
gnomAD v4.1: 9 of 1,613,074 alleles (0.00056%); highest among the groups gnomAD compares: Admixed American, 0.013%; no homozygotes.

Submissions (2):

Ambry Genetics
Classification: Uncertain significance for Inborn genetic diseases. Last evaluated: 2025-08-03. Review status: criteria provided, single submitter. Criteria: Ambry Variant Classification Scheme 2023. Collection method: clinical testing. Allele origin: germline.

Labcorp Genetics (formerly Invitae), Labcorp
Classification: Uncertain significance for 2-aminoadipic 2-oxoadipic aciduria. Last evaluated: 2022-02-22. Review status: criteria provided, single submitter. Criteria: Invitae Variant Classification Sherloc (09022015). Collection method: clinical testing. Allele origin: germline.
Comment: In summary, the available evidence is currently insufficient to determine the role of this variant in disease. Therefore, it has been classified as a Variant of Uncertain Significance. Algorithms developed to predict the effect of missense changes on protein structure and function (SIFT, PolyPhen-2, Align-GVGD) all suggest that this variant is likely to be tolerated. This variant has not been reported in the literature in individuals affected with DHTKD1-related conditions. This variant is present in population databases (rs149066296, gnomAD 0.006%). This sequence change replaces methionine, which is neutral and non-polar, with valine, which is neutral and non-polar, at codon 241 of the DHTKD1 protein (p.Met241Val).

NM_018706.7(DHTKD1):c.721A>G (p.Met241Val)

Gene: DHTKD1 (dehydrogenase E1 and transketolase domain containing 1; plus strand). Cytogenetic location: 10p14.
Variant type: single nucleotide variant.
Coding change: c.721A>G on transcript NM_018706.7 (MANE Select); coding-DNA position 721, A replaced by G.
Protein change: p.Met241Val; replaces methionine 241 with valine.
Molecular consequence: missense variant.
Genome position (GRCh38, 1-based): chr10:12,088,989, A>G. VCF-style: chr10-12088989-A-G. GRCh37 (hg19) VCF-style: chr10-12130988-A-G.
Other names: c.721A>G (NM_018706.5); short protein forms M241V.
Identifiers: ClinVar variation 2168237 (VCV002168237.5), dbSNP rs149066296, ClinGen allele CA5407635.